The following is an entry in ClinVar:

ClinVar aggregate classification (germline): Pathogenic. Review status: reviewed by expert panel (3 of 4 stars). 4 submissions from 4 submitters: Pathogenic (1). 3 of the submissions do not count toward it. Last evaluated 2016-10-18.

Conditions:
Hereditary breast ovarian cancer syndrome. Also called: Hereditary breast and ovarian cancer syndrome (HBOC); Breast and ovarian cancer; Hereditary breast and ovarian cancer syndrome; Hereditary breast and ovarian cancer; BRCA1- and BRCA2-Associated Hereditary Breast and Ovarian Cancer; Hereditary breast and/or ovarian cancer syndrome. Identifiers: Orphanet 145, MedGen C0677776, MeSH D061325, MONDO:0003582. Disease mechanism: loss of function.
Breast-ovarian cancer, familial, susceptibility to, 1 (BROVCA1). Also called: BRCA1 Hereditary Breast and Ovarian Cancer; OVARIAN CANCER, SUSCEPTIBILITY TO. Identifiers: Orphanet 145, MedGen C2676676, MONDO:0011450, OMIM 604370. Disease mechanism: loss of function.

Submissions (4):

Evidence-based Network for the Interpretation of Germline Mutant Alleles (ENIGMA)
Classification: Pathogenic for Breast-ovarian cancer, familial, susceptibility to, 1. Last evaluated: 2016-10-18. Review status: reviewed by expert panel. Criteria: ENIGMA BRCA1/2 Classification Criteria (2015). Collection method: curation. Allele origin: germline.
Comment: Variant allele predicted to encode a truncated non-functional protein.

Consortium of Investigators of Modifiers of BRCA1/2 (CIMBA), c/o University of Cambridge
Classification: Pathogenic for Breast-ovarian cancer, familial, susceptibility to, 1. Last evaluated: 2015-10-02. Review status: criteria provided, single submitter. Criteria: CIMBA Mutation Classification guidelines May 2016. Collection method: clinical testing. Allele origin: germline. Not counted in ClinVar's aggregate classification.

Biomedical Genomics and Oncogenetics Laboratory, Institut Pasteur de Tunis, University Tunis El Manar
Classification: Pathogenic for Breast-ovarian cancer, familial, susceptibility to, 1. Review status: criteria provided, single submitter. Criteria: ACMG Guidelines, 2015. Collection method: clinical testing. Allele origin: germline. Affected: yes. Observed: 1 variant allele. Not counted in ClinVar's aggregate classification.

Research Molecular Genetics Laboratory, Women's College Hospital, University of Toronto
Classification: Pathogenic for Hereditary breast ovarian cancer syndrome. Last evaluated: 2014-01-31. Review status: no assertion criteria provided. Collection method: research. Allele origin: germline. Affected: yes. Study: The Canadian Open Genetics Repository (COGR). Not counted in ClinVar's aggregate classification.

NM_007294.4(BRCA1):c.2418dup (p.Ala807fs)

Gene: BRCA1 (BRCA1 DNA repair associated; minus strand). Cytogenetic location: 17q21.31.
Variant type: Duplication.
Coding change: c.2418dup on transcript NM_007294.4 (MANE Select); coding-DNA position 2418, one base duplicated (A; older notation c.2418dupA).
Protein change: p.Ala807fs; shifts the reading frame from alanine 807.
Molecular consequence: frameshift variant. On other transcripts: intron variant (137).
Genome position (GRCh38, 1-based): chr17:43,093,113, T duplicated on the plus strand (A on the coding strand, the reverse complement: BRCA1 is on the minus strand). VCF-style (leftmost placement, unchanged base first): chr17-43093112-C-CT. GRCh37 (hg19) VCF-style: chr17-41245129-C-CT.
Other names: 2537insA; c.2418dupA (NM_007294.3); c.2415dup, p.Ala806fs (NM_001407633.1, NM_001407634.1, NM_001407635.1 and 22 more transcripts); c.2418dup, p.Ala807fs (NM_001407639.1, NM_001407640.1, NM_001407641.1 and 30 more transcripts); c.2409dup, p.Ala804fs (NM_001407646.1, NM_001407647.1); c.2295dup, p.Ala766fs (NM_001407648.1, NM_001407664.1, NM_001407665.1 and 19 more transcripts); c.2292dup, p.Ala765fs (NM_001407649.1, NM_001407670.1, NM_001407671.1 and 11 more transcripts); c.2340dup, p.Ala781fs (NM_001407653.1, NM_001407654.1, NM_001407655.1 and 4 more transcripts); and 43 more; short protein forms A760fs, A807fs, A739fs, A740fs, A806fs, A680fs, A696fs, A718fs.
Identifiers: ClinVar variation 266261 (VCV000266261.10), dbSNP rs886040036, ClinGen allele CA10589853.